The following is an entry in ClinVar:

NM_000214.3(JAG1):c.2322G>A (p.Trp774Ter)

Gene: JAG1 (jagged canonical Notch ligand 1; minus strand). Cytogenetic location: 20p12.2.
Variant type: single nucleotide variant.
Coding change: c.2322G>A on transcript NM_000214.3 (MANE Select); coding-DNA position 2322, G replaced by A.
Protein change: p.Trp774Ter; replaces tryptophan 774 with a stop codon.
Molecular consequence: nonsense.
Genome position (GRCh38, 1-based): chr20:10,644,885, C>T on the plus strand (G>A on the coding strand, the complement: JAG1 is on the minus strand). VCF-style: chr20-10644885-C-T. GRCh37 (hg19) VCF-style: chr20-10625533-C-T.
Other names: c.2322G>A, p.Trp774Ter (LRG_1191t1); short protein forms W774*.
Identifiers: ClinVar variation 213568 (VCV000213568.10), dbSNP rs1555828173, ClinGen allele CA320857.

ClinVar aggregate classification (germline): Pathogenic. Review status: criteria provided, multiple submitters, no conflicts (2 of 4 stars). 2 submissions from 2 submitters: Pathogenic (2). Last evaluated 2022-11-08.

Conditions:
Alagille syndrome due to a JAG1 point mutation. Also called: HEPATIC DUCTULAR HYPOPLASIA, SYNDROMATIC; JAG1-Related Alagille Syndrome; Alagille Syndrome 1. Identifiers: Orphanet 261619, Orphanet 52, MedGen C1956125, MONDO:0016862, OMIM 118450.

Submissions (2):

Labcorp Genetics (formerly Invitae), Labcorp
Classification: Pathogenic for Alagille syndrome due to a JAG1 point mutation. Last evaluated: 2022-11-08. Review status: criteria provided, single submitter. Criteria: Invitae Variant Classification Sherloc (09022015). Collection method: clinical testing. Allele origin: germline.
Comment: This variant has not been reported in the literature in individuals affected with JAG1-related conditions. For these reasons, this variant has been classified as Pathogenic. ClinVar contains an entry for this variant (Variation ID: 213568). This variant is not present in population databases (gnomAD no frequency). This sequence change creates a premature translational stop signal (p.Trp774*) in the JAG1 gene. It is expected to result in an absent or disrupted protein product. Loss-of-function variants in JAG1 are known to be pathogenic (PMID: 11180599).

Eurofins Ntd Llc (ga)
Classification: Pathogenic. Last evaluated: 2018-05-25. Review status: criteria provided, single submitter. Criteria: EGL ClinVar v180209 classification definitions. Collection method: clinical testing. Allele origin: germline. Observed: 1 variant allele, 1 heterozygote.

Literature cited by the submitters: PubMed 11180599 (cited by Labcorp Genetics (formerly Invitae), Labcorp).